The following is an entry in ClinVar:

ClinVar aggregate classification (germline): Benign. Review status: criteria provided, multiple submitters, no conflicts (2 of 4 stars). 4 submissions from 4 submitters: Benign (4). Last evaluated 2024-01-24.

Conditions:
Agammaglobulinemia 4, autosomal recessive (AGM4). Also called: AGAMMAGLOBULINEMIA, AUTOSOMAL RECESSIVE, DUE TO BLNK DEFECT; B cell linker protein deficiency. Identifiers: MedGen C3150752, MONDO:0013289, OMIM 613502.

Allele frequency attached by ClinVar (database versions not stated): TOPMed 0.58342; gnomAD 0.58528 and 0.59126; 1000 Genomes Project 30x 0.64928; 1000 Genomes Project 0.65515.
gnomAD v4.1: 886,402 of 1,579,224 alleles (56%); highest among the groups gnomAD compares: East Asian, 78%; 252,140 homozygotes.

Submissions (4):

Unidad de Genómica Garrahan, Hospital de Pediatría Garrahan
Classification: Benign. Last evaluated: 2024-01-24. Review status: criteria provided, single submitter. Criteria: ACMG Guidelines, 2015. Collection method: clinical testing. Allele origin: germline. Affected: no. Observed: 83 variant alleles.
Comment: This variant is classified as Benign based on local population frequency. This variant was detected in 87% of patients studied by a panel of primary immunodeficiencies. Number of patients: 83. Only high quality variants are reported.

Genome-Nilou Lab
Classification: Benign for Agammaglobulinemia 4, autosomal recessive. Last evaluated: 2021-07-14. Review status: criteria provided, single submitter. Criteria: ACMG Guidelines, 2015. Collection method: clinical testing. Allele origin: germline. Affected: no.

GeneDx
Classification: Benign. Last evaluated: 2018-11-10. Review status: criteria provided, single submitter. Criteria: GeneDx Variant Classification Process June 2021. Collection method: clinical testing. Allele origin: germline. Affected: yes.

Breakthrough Genomics
Classification: Benign. Review status: criteria provided, single submitter. Criteria: ACMG Guidelines, 2015. Collection method: not provided. Allele origin: germline. Inheritance: Autosomal recessive inheritance. Affected: yes.

NM_013314.4(BLNK):c.361+71G>A

Gene: BLNK (B cell linker; minus strand). Cytogenetic location: 10q24.1.
Variant type: single nucleotide variant.
Coding change: c.361+71G>A on transcript NM_013314.4 (MANE Select); 71 bases into the intron after coding-DNA position 361, G replaced by A.
Molecular consequence: intron variant.
Genome position (GRCh38, 1-based): chr10:96,227,339, C>T on the plus strand (G>A on the coding strand, the complement: BLNK is on the minus strand). VCF-style: chr10-96227339-C-T. GRCh37 (hg19) VCF-style: chr10-97987095-C-T.
Other names: c.349+83G>A (NM_001258442.2); c.361+71G>A (NM_001258441.2, NM_001114094.2, NM_001258440.2).
Identifiers: ClinVar variation 1192496 (VCV001192496.7), dbSNP rs11188669, ClinGen allele CA13165572.
Genomic context (GRCh38, chr10:96,227,339, plus strand): 5'-GGTGGCGGGAGCGGGCGGCTGGCAGAGGCCCTCAAGCAGCAGCCAGGTTTGTCCCCACCC[C>T]GCAATCTTGGACACCCCCACCTCCCCATGGGCCTGGAAGGCCGAGTGCCCAGGTCTGCGG-3'